The following is an entry in ClinVar:

NM_000079.4(CHRNA1):c.*422G>T

Gene: CHRNA1 (cholinergic receptor nicotinic alpha 1 subunit; minus strand). Cytogenetic location: 2q31.1.
Variant type: single nucleotide variant.
Coding change: c.*422G>T on transcript NM_000079.4 (MANE Select); 422 bases downstream of the stop codon, G replaced by T.
Molecular consequence: 3 prime UTR variant.
Genome position (GRCh38, 1-based): chr2:174,747,702, C>A on the plus strand (G>T on the coding strand, the complement: CHRNA1 is on the minus strand). VCF-style: chr2-174747702-C-A. GRCh37 (hg19) VCF-style: chr2-175612430-C-A.
Other names: c.*422G>T (NM_001039523.3).
Identifiers: ClinVar variation 332429 (VCV000332429.5), dbSNP rs184095877, ClinGen allele CA10611916.

ClinVar aggregate classification (germline): Conflicting classifications of pathogenicity. Review status: criteria provided, conflicting classifications (1 of 4 stars). 2 submissions from 1 submitter: Uncertain significance (1); Likely benign (1). Last evaluated 2018-01-13.

Conditions:
Congenital myasthenic syndrome (CMS). Also called: Congenital Myasthenic Syndromes. Identifiers: Orphanet 590, MedGen C0751882, MeSH D020294, MONDO:0018940.
Lethal multiple pterygium syndrome (LMPS). Identifiers: Orphanet 33108, MedGen C1854678, MONDO:0009668, OMIM 253290.

Allele frequency attached by ClinVar (database versions not stated): 1000 Genomes Project 0.00060; 1000 Genomes Project 30x 0.00078; TOPMed 0.00194.
gnomAD v4.1: 421 of 246,502 alleles (0.17%); highest among the groups gnomAD compares: Admixed American, 0.29%; 3 homozygotes.

Submissions (2):

Illumina Laboratory Services, Illumina
Classification: Likely benign for Lethal multiple pterygium syndrome. Last evaluated: 2018-01-13. Review status: criteria provided, single submitter. Criteria: ICSL Variant Classification Criteria 13 December 2019. Collection method: clinical testing. Allele origin: germline.
Comment: This variant was observed in the ICSL laboratory as part of a predisposition screen in an ostensibly healthy population. It had not been previously curated by ICSL or reported in the Human Gene Mutation Database (HGMD: prior to June 1st, 2018), and was therefore a candidate for classification through an automated scoring system. Utilizing variant allele frequency, disease prevalence and penetrance estimates, and inheritance mode, an automated score was calculated to assess if this variant is too frequent to cause the disease. Based on the score and internal cut-off values, a variant classified as likely benign is not then subjected to further curation. The score for this variant resulted in a classification of likely benign for this disease.

Illumina Laboratory Services, Illumina
Classification: Uncertain significance for Congenital myasthenic syndrome. Last evaluated: 2018-01-13. Review status: criteria provided, single submitter. Criteria: ICSL Variant Classification Criteria 13 December 2019. Collection method: clinical testing. Allele origin: germline.